The following is an entry in ClinVar:

ClinVar aggregate classification (germline): Uncertain significance (1 of 4 stars; one submission).

Conditions:
Progressive encephalopathy with leukodystrophy due to DECR deficiency. Identifiers: Orphanet 431361, MedGen C1857252, MONDO:0014464, OMIM 616034.

Allele frequency attached by ClinVar (database versions not stated): gnomAD exomes below 0.00001; ExAC 0.00001; gnomAD 0.00001.

Submission:

Labcorp Genetics (formerly Invitae), Labcorp
Classification: Uncertain significance for Progressive encephalopathy with leukodystrophy due to DECR deficiency. Last evaluated: 2024-04-10. Review status: criteria provided, single submitter. Criteria: Invitae Variant Classification Sherloc (09022015). Collection method: clinical testing. Allele origin: germline.
Comment: This sequence change replaces methionine, which is neutral and non-polar, with threonine, which is neutral and polar, at codon 164 of the NADK2 protein (p.Met164Thr). This variant is present in population databases (rs764497824, gnomAD 0.0009%). This variant has not been reported in the literature in individuals affected with NADK2-related conditions. ClinVar contains an entry for this variant (Variation ID: 1385824). Advanced modeling of protein sequence and biophysical properties (such as structural, functional, and spatial information, amino acid conservation, physicochemical variation, residue mobility, and thermodynamic stability) performed at Invitae indicates that this missense variant is expected to disrupt NADK2 protein function with a positive predictive value of 80%. In summary, the available evidence is currently insufficient to determine the role of this variant in disease. Therefore, it has been classified as a Variant of Uncertain Significance.

NM_001085411.3(NADK2):c.491T>C (p.Met164Thr)

Gene: NADK2 (NAD kinase 2, mitochondrial; minus strand). Cytogenetic location: 5p13.2.
Variant type: single nucleotide variant.
Coding change: c.491T>C on transcript NM_001085411.3 (MANE Select); coding-DNA position 491, T replaced by C.
Protein change: p.Met164Thr; replaces methionine 164 with threonine.
Molecular consequence: missense variant. On other transcripts: initiator codon variant (3).
Genome position (GRCh38, 1-based): chr5:36,225,611, A>G on the plus strand (T>C on the coding strand, the complement: NADK2 is on the minus strand). VCF-style: chr5-36225611-A-G. GRCh37 (hg19) VCF-style: chr5-36225713-A-G.
Other names: c.2T>C, p.Met1Thr (NM_001287340.2, NM_001287341.2, NM_153013.5); short protein forms M164T, M1T.
Identifiers: ClinVar variation 1385824 (VCV001385824.6), dbSNP rs764497824, ClinGen allele CA3234711.